The following is an entry in ClinVar:

ClinVar aggregate classification (germline): Uncertain significance (1 of 4 stars; one submission).

Conditions:
Charcot-Marie-Tooth disease recessive intermediate C. Also called: CHARCOT-MARIE-TOOTH NEUROPATHY, RECESSIVE INTERMEDIATE C. Identifiers: Orphanet 369867, MedGen C3809309, MONDO:0014154, OMIM 615376.
Neuronopathy, distal hereditary motor, autosomal recessive 4. Also called: Autosomal recessive lower motor neuron disease with childhood onset; NEUROPATHY, DISTAL HEREDITARY MOTOR, AUTOSOMAL RECESSIVE 4. Identifiers: Orphanet 206580, MedGen C1970211, MONDO:0012608, OMIM 611067.

gnomAD v4.1: 28 of 1,570,118 alleles (0.0018%); highest among the groups gnomAD compares: Non-Finnish European, 0.0024%; no homozygotes.

Submission:

Labcorp Genetics (formerly Invitae), Labcorp
Classification: Uncertain significance for Neuronopathy, distal hereditary motor, autosomal recessive 4; Charcot-Marie-Tooth disease recessive intermediate C. Last evaluated: 2022-03-02. Review status: criteria provided, single submitter. Criteria: Invitae Variant Classification Sherloc (09022015). Collection method: clinical testing. Allele origin: germline.
Comment: This variant has not been reported in the literature in individuals affected with PLEKHG5-related conditions. Algorithms developed to predict the effect of missense changes on protein structure and function are either unavailable or do not agree on the potential impact of this missense change (SIFT: "Deleterious"; PolyPhen-2: "Benign"; Align-GVGD: "Class C0"). In summary, the available evidence is currently insufficient to determine the role of this variant in disease. Therefore, it has been classified as a Variant of Uncertain Significance. This variant is present in population databases (rs752131172, gnomAD 0.001%). This sequence change replaces arginine, which is basic and polar, with serine, which is neutral and polar, at codon 500 of the PLEKHG5 protein (p.Arg500Ser).

NM_020631.6(PLEKHG5):c.1500G>C (p.Arg500Ser)

Gene: PLEKHG5 (pleckstrin homology and RhoGEF domain containing G5; minus strand). Cytogenetic location: 1p36.31.
Variant type: single nucleotide variant.
Coding change: c.1500G>C on transcript NM_020631.6 (MANE Select); coding-DNA position 1500, G replaced by C.
Protein change: p.Arg500Ser; replaces arginine 500 with serine.
Molecular consequence: missense variant.
Genome position (GRCh38, 1-based): chr1:6,470,777, C>G on the plus strand (G>C on the coding strand, the complement: PLEKHG5 is on the minus strand). VCF-style: chr1-6470777-C-G. GRCh37 (hg19) VCF-style: chr1-6530837-C-G.
Other names: c.1611G>C, p.Arg537Ser (NM_001042663.3, NM_001265592.2); c.1500G>C, p.Arg500Ser (NM_001042664.2, NM_001042665.2, NM_001265594.3 and 1 more transcripts); c.1707G>C, p.Arg569Ser (NM_001265593.2); short protein forms R500S, R537S, R569S.
Identifiers: ClinVar variation 1983162 (VCV001983162.3), dbSNP rs752131172, ClinGen allele CA561502.
Genomic context (GRCh38, chr1:6,470,777, plus strand): 5'-GCTGGCCATCAGGGTTACCATGGCGACGACGGCCTCCTTGGCGCGCGGCTCCTCGGTCTT[C>G]CTCAGCACCGACTTGAGCAGCAGCGGGTACTTGGTGAGCCGCTGGTGGGGTTTGGCCAGC-3'
Protein context (NP_065682.2, residues 490-510): KYPLLLKSVL[Arg500Ser]KTEEPRAKEA